The following is an entry in ClinVar:

NM_021969.3(NR0B2):c.310G>C (p.Ala104Pro)

Genes: NR0B2 (nuclear receptor subfamily 0 group B member 2; minus strand), NUDC (nuclear distribution C, dynein complex regulator; plus strand). Cytogenetic location: 1p36.11.
Variant type: single nucleotide variant.
Coding change: c.310G>C on transcript NM_021969.3 (MANE Select); coding-DNA position 310, G replaced by C.
Protein change: p.Ala104Pro; replaces alanine 104 with proline.
Molecular consequence: missense variant.
Genome position (GRCh38, 1-based): chr1:26,913,631, C>G on the plus strand (G>C on the coding strand, the complement: NR0B2 is on the minus strand). VCF-style: chr1-26913631-C-G. GRCh37 (hg19) VCF-style: chr1-27240122-C-G.
Other names: short protein forms A104P.
Identifiers: ClinVar variation 2228124 (VCV002228124.3), dbSNP rs376540135, ClinGen allele CA709676.

ClinVar aggregate classification (germline): Uncertain significance. Review status: criteria provided, multiple submitters, no conflicts (2 of 4 stars). 2 submissions from 2 submitters: Uncertain significance (2). Last evaluated 2026-04-16.

Conditions:
NR0B2-related disorder. Also called: NR0B2-related condition.

Allele frequency attached by ClinVar (database versions not stated): ExAC 0.00003; gnomAD 0.00005; TOPMed 0.00007; ESP Exome Variant Server 0.00008; gnomAD exomes 0.00009.
gnomAD v4.1: 140 of 1,613,918 alleles (0.0087%); highest among the groups gnomAD compares: Non-Finnish European, 0.011%; no homozygotes.

Submissions (2):

PreventionGenetics, part of Exact Sciences
Classification: Uncertain significance for NR0B2-related condition. Last evaluated: 2026-04-16. Review status: criteria provided, single submitter. Criteria: ACMG Guidelines, 2015. Collection method: clinical testing. Allele origin: germline.
Comment: The NR0B2 c.310G>C variant is predicted to result in the amino acid substitution p.Ala104Pro. To our knowledge, this variant has not been reported in the literature. This variant is reported in 0.011% of alleles in individuals of European (non-Finnish) descent in gnomAD. At this time, the clinical significance of this variant is uncertain due to the absence of conclusive functional and genetic evidence.

Ambry Genetics
Classification: Uncertain significance. Last evaluated: 2021-06-11. Review status: criteria provided, single submitter. Criteria: Ambry Variant Classification Scheme 2023. Collection method: clinical testing. Allele origin: germline.